The following is an entry in ClinVar:

ClinVar aggregate classification (germline): Likely benign. Review status: criteria provided, multiple submitters, no conflicts (2 of 4 stars). 2 submissions from 2 submitters: Likely benign (2). Last evaluated 2025-03-12.

Conditions:
RGS9BP-related disorder. Also called: RGS9BP-related condition.

Allele frequency attached by ClinVar (database versions not stated): gnomAD 0.00004; ExAC 0.00057.

Submissions (2):

Labcorp Genetics (formerly Invitae), Labcorp
Classification: Likely benign. Last evaluated: 2025-03-12. Review status: criteria provided, single submitter. Criteria: Invitae Variant Classification Sherloc (09022015). Collection method: clinical testing. Allele origin: germline.

PreventionGenetics, part of Exact Sciences
Classification: Likely benign for RGS9BP-related condition. Last evaluated: 2025-02-21. Review status: criteria provided, single submitter. Criteria: ACMG Guidelines, 2015. Collection method: clinical testing. Allele origin: germline.
Comment: This variant is classified as likely benign based on ACMG/AMP sequence variant interpretation guidelines (Richards et al. 2015 PMID: 25741868, with internal and published modifications).

NM_207391.3(RGS9BP):c.467A>G (p.Gln156Arg)

Gene: RGS9BP (regulator of G protein signaling 9 binding protein; plus strand). Cytogenetic location: 19q13.11.
Variant type: single nucleotide variant.
Coding change: c.467A>G on transcript NM_207391.3 (MANE Select); coding-DNA position 467, A replaced by G.
Protein change: p.Gln156Arg; replaces glutamine 156 with arginine.
Molecular consequence: missense variant.
Genome position (GRCh38, 1-based): chr19:32,676,730, A>G. VCF-style: chr19-32676730-A-G. GRCh37 (hg19) VCF-style: chr19-33167636-A-G.
Other names: c.467A>G (NM_207391.2); short protein forms Q156R.
Identifiers: ClinVar variation 1112030 (VCV001112030.11), dbSNP rs748167176, ClinGen allele CA9357538.